The following is an entry in ClinVar:

ClinVar aggregate classification (germline): Uncertain significance (1 of 4 stars; one submission).

Conditions:
Naxos disease (NXD). Also called: KERATOSIS PALMOPLANTARIS WITH ARRHYTHMOGENIC CARDIOMYOPATHY; MAL DE NAXOS; PALMOPLANTAR KERATODERMA WITH ARRHYTHMOGENIC RIGHT VENTRICULAR CARDIOMYOPATHY AND WOOLLY HAIR; WOOLLY HAIR, PALMOPLANTAR KERATODERMA, AND CARDIAC ABNORMALITIES; CARDIOMYOPATHY, ARRHYTHMOGENIC RIGHT VENTRICULAR, WITH SKIN, HAIR, AND NAIL ABNORMALITIES. Identifiers: Orphanet 34217, MedGen C1832600, MONDO:0011017, OMIM 601214.
Arrhythmogenic right ventricular dysplasia 12. Also called: ARRHYTHMOGENIC RIGHT VENTRICULAR DYSPLASIA, FAMILIAL, 12. Identifiers: MedGen C1969081, MONDO:0012684, OMIM 611528.

Submission:

Labcorp Genetics (formerly Invitae), Labcorp
Classification: Uncertain significance for Arrhythmogenic right ventricular dysplasia 12; Naxos disease. Last evaluated: 2024-02-09. Review status: criteria provided, single submitter. Criteria: Invitae Variant Classification Sherloc (09022015). Collection method: clinical testing. Allele origin: germline.
Comment: This sequence change replaces threonine, which is neutral and polar, with serine, which is neutral and polar, at codon 463 of the JUP protein (p.Thr463Ser). This variant is not present in population databases (gnomAD no frequency). This variant has not been reported in the literature in individuals affected with JUP-related conditions. An algorithm developed to predict the effect of missense changes on protein structure and function (PolyPhen-2) suggests that this variant is likely to be disruptive. In summary, the available evidence is currently insufficient to determine the role of this variant in disease. Therefore, it has been classified as a Variant of Uncertain Significance.

NM_002230.4(JUP):c.1388C>G (p.Thr463Ser)

Gene: JUP (junction plakoglobin; minus strand). Cytogenetic location: 17q21.2.
Variant type: single nucleotide variant.
Coding change: c.1388C>G on transcript NM_002230.4 (MANE Select); coding-DNA position 1388, C replaced by G.
Protein change: p.Thr463Ser; replaces threonine 463 with serine.
Molecular consequence: missense variant.
Genome position (GRCh38, 1-based): chr17:41,763,092, G>C on the plus strand (C>G on the coding strand, the complement: JUP is on the minus strand). VCF-style: chr17-41763092-G-C. GRCh37 (hg19) VCF-style: chr17-39919344-G-C.
Other names: c.1388C>G, p.Thr463Ser (NM_001352773.2, NM_001352774.2, NM_001352775.2 and 3 more transcripts); short protein forms T463S.
Identifiers: ClinVar variation 3753323 (VCV003753323.2).